The following is an entry in ClinVar:

ClinVar aggregate classification (germline): Conflicting classifications of pathogenicity. Review status: criteria provided, conflicting classifications (1 of 4 stars). 2 submissions from 2 submitters: Likely pathogenic (1); Uncertain significance (1). Last evaluated 2022-10-31.

Conditions:
Early-infantile DEE. Also called: Ohtahara syndrome; Early infantile epileptic encephalopathy; Early infantile epileptic encephalopathy with suppression bursts. Identifiers: Orphanet 1934, MedGen C0393706, MONDO:0800491.
Developmental and epileptic encephalopathy, 5 (DEE5). Identifiers: Orphanet 3451, MedGen C3150731, MONDO:0013277, OMIM 613477.

Allele frequency attached by ClinVar (database versions not stated): gnomAD exomes below 0.00001.
gnomAD v4.1: 1 of 1,614,202 alleles (0.000062%); no homozygotes.

Submissions (2):

Labcorp Genetics (formerly Invitae), Labcorp
Classification: Uncertain significance for Early-infantile DEE. Last evaluated: 2022-10-31. Review status: criteria provided, single submitter. Criteria: Invitae Variant Classification Sherloc (09022015). Collection method: clinical testing. Allele origin: germline.
Comment: In summary, the available evidence is currently insufficient to determine the role of this variant in disease. Therefore, it has been classified as a Variant of Uncertain Significance. Algorithms developed to predict the effect of missense changes on protein structure and function (SIFT, PolyPhen-2, Align-GVGD) all suggest that this variant is likely to be disruptive. ClinVar contains an entry for this variant (Variation ID: 1325792). This missense change has been observed in individual(s) with clinical features of SPTAN1-related conditions (PMID: 29050398). In at least one individual the variant was observed to be de novo. This variant is present in population databases (no rsID available, gnomAD 0.01%). This sequence change replaces arginine, which is basic and polar, with tryptophan, which is neutral and slightly polar, at codon 1776 of the SPTAN1 protein (p.Arg1776Trp).

Institute of Human Genetics, University of Leipzig Medical Center
Classification: Likely pathogenic for Developmental and epileptic encephalopathy, 5. Last evaluated: 2017-09-01. Review status: criteria provided, single submitter. Criteria: ACMG Guidelines, 2015. Collection method: research. Allele origin: de novo.

Literature cited by the submitters: PubMed 29050398 (cited by Labcorp Genetics (formerly Invitae), Labcorp and Institute of Human Genetics, University of Leipzig Medical Center).

NM_001130438.3(SPTAN1):c.5326C>T (p.Arg1776Trp)

Gene: SPTAN1 (spectrin alpha, non-erythrocytic 1; plus strand). Cytogenetic location: 9q34.11.
Variant type: single nucleotide variant.
Coding change: c.5326C>T on transcript NM_001130438.3 (MANE Select); coding-DNA position 5326, C replaced by T.
Protein change: p.Arg1776Trp; replaces arginine 1776 with tryptophan.
Molecular consequence: missense variant.
Genome position (GRCh38, 1-based): chr9:128,615,809, C>T. VCF-style: chr9-128615809-C-T. GRCh37 (hg19) VCF-style: chr9-131378088-C-T.
Other names: c.5251C>T, p.Arg1751Trp (NM_001195532.2); c.5326C>T, p.Arg1776Trp (NM_001363759.2, NM_001375310.1, NM_001375311.2 and 1 more transcripts); c.5266C>T, p.Arg1756Trp (NM_001363765.2, NM_001375314.2); c.5362C>T, p.Arg1788Trp (NM_001375312.2, NM_001375318.1); c.5311C>T, p.Arg1771Trp (NM_003127.4); short protein forms R1751W, R1756W, R1771W, R1776W, R1788W.
Identifiers: ClinVar variation 1325792 (VCV001325792.4), dbSNP rs1232614751, ClinGen allele CA375074957.